The following is an entry in ClinVar:

NM_020822.3(KCNT1):c.2842-69A>C

Gene: KCNT1 (potassium sodium-activated channel subfamily T member 1; plus strand). Cytogenetic location: 9q34.3.
Variant type: single nucleotide variant.
Coding change: c.2842-69A>C on transcript NM_020822.3 (MANE Select); 69 bases into the intron before coding-DNA position 2842, A replaced by C.
Molecular consequence: intron variant.
Genome position (GRCh38, 1-based): chr9:135,783,955, A>C. VCF-style: chr9-135783955-A-C. GRCh37 (hg19) VCF-style: chr9-138675801-A-C.
Other names: c.2707-69A>C (NM_001272003.2).
Identifiers: ClinVar variation 682423 (VCV000682423.4), dbSNP rs10776848, ClinGen allele CA13003903.

ClinVar aggregate classification (germline): Benign. Review status: criteria provided, multiple submitters, no conflicts (2 of 4 stars). 3 submissions from 3 submitters: Benign (3). Last evaluated 2024-07-15.

Allele frequency attached by ClinVar (database versions not stated): 1000 Genomes Project 30x 0.19909; gnomAD 0.20279; TOPMed 0.20571; 1000 Genomes Project 0.19908.
gnomAD v4.1: 267,571 of 1,181,612 alleles (23%); highest among the groups gnomAD compares: South Asian, 25%; 31,997 homozygotes.

Submissions (3):

Unidad de Genómica Garrahan, Hospital de Pediatría Garrahan
Classification: Benign. Last evaluated: 2024-07-15. Review status: criteria provided, single submitter. Criteria: ACMG Guidelines, 2015. Collection method: clinical testing. Allele origin: germline. Affected: no. Observed: 25 variant alleles.
Comment: This variant is classified as Benign based on local population frequency. This variant was detected in 27% of patients studied in a panel designed for Epileptic and Developmental Encephalopathy and Progressive Myoclonus Epilepsy. Number of patients: 25. Only high quality variants are reported.

GeneDx
Classification: Benign. Last evaluated: 2018-06-14. Review status: criteria provided, single submitter. Criteria: GeneDx Variant Classification (06012015). Collection method: clinical testing. Allele origin: germline. Affected: yes.
Comment: This variant is considered likely benign or benign based on one or more of the following criteria: it is a conservative change, it occurs at a poorly conserved position in the protein, it is predicted to be benign by multiple in silico algorithms, and/or has population frequency not consistent with disease.

Breakthrough Genomics
Classification: Benign. Review status: criteria provided, single submitter. Criteria: ACMG Guidelines, 2015. Collection method: not provided. Allele origin: germline. Inheritance: Autosomal dominant inheritance. Affected: yes.